The following is an entry in ClinVar:

NM_001375905.1(SGMS2):c.898T>G (p.Leu300Val)

Genes: CYP2U1-AS1 (CYP2U1 and SGMS2 antisense RNA 1; minus strand), SGMS2 (sphingomyelin synthase 2; plus strand). Cytogenetic location: 4q25.
Variant type: single nucleotide variant.
Coding change: c.898T>G on transcript NM_001375905.1 (MANE Select); coding-DNA position 898, T replaced by G.
Protein change: p.Leu300Val; replaces leucine 300 with valine.
Molecular consequence: missense variant. On other transcripts: 3 prime UTR variant (1).
Genome position (GRCh38, 1-based): chr4:107,910,353, T>G. VCF-style: chr4-107910353-T-G. GRCh37 (hg19) VCF-style: chr4-108831509-T-G.
Other names: c.898T>G, p.Leu300Val (NM_001136257.2, NM_001136258.2, NM_001375906.1 and 3 more transcripts); c.*2T>G (NM_001375910.1); c.379T>G, p.Leu127Val (NM_001375911.1); short protein forms L127V, L300V.
Identifiers: ClinVar variation 4726501 (VCV004726501.1).
Genomic context (GRCh38, chr4:107,910,353, plus strand): 5'-TTGGGATGCAAATTGAGAAAGATATGTCTCATTTAAATTTTTTTCTACCATTTACAGAAC[T>G]TGAAGGTCTCTTCACAGACTAATTTCTTATCTCGAGCATGGTGGTTCCCCATCTTTTATT-3'
Protein context (NP_001362834.1, residues 290-310): WYHSMANEKN[Leu300Val]KVSSQTNFLS

ClinVar aggregate classification (germline): Uncertain significance (1 of 4 stars; one submission).

Submission:

Labcorp Genetics (formerly Invitae), Labcorp
Classification: Uncertain significance. Last evaluated: 2025-10-07. Review status: criteria provided, single submitter. Criteria: Invitae Variant Classification Sherloc (09022015). Collection method: clinical testing. Allele origin: germline.
Comment: This sequence change replaces leucine, which is neutral and non-polar, with valine, which is neutral and non-polar, at codon 300 of the SGMS2 protein (p.Leu300Val). This variant is not present in population databases (gnomAD no frequency). This variant has not been reported in the literature in individuals affected with SGMS2-related conditions. Invitae Evidence Modeling of protein sequence and biophysical properties (such as structural, functional, and spatial information, amino acid conservation, physicochemical variation, residue mobility, and thermodynamic stability) indicates that this missense variant is not expected to disrupt SGMS2 protein function with a negative predictive value of 80%. In summary, the available evidence is currently insufficient to determine the role of this variant in disease. Therefore, it has been classified as a Variant of Uncertain Significance.